The following is an entry in ClinVar:

NM_000038.6(APC):c.6258A>C (p.Pro2086=)

Gene: APC (APC regulator of Wnt signaling pathway; plus strand). Cytogenetic location: 5q22.2.
Variant type: single nucleotide variant.
Coding change: c.6258A>C on transcript NM_000038.6 (MANE Select); coding-DNA position 6258, A replaced by C.
Protein change: p.Pro2086=; no amino-acid change (proline 2086 retained).
Molecular consequence: synonymous variant. On other transcripts: non-coding transcript variant (2).
Genome position (GRCh38, 1-based): chr5:112,841,852, A>C. VCF-style: chr5-112841852-A-C. GRCh37 (hg19) VCF-style: chr5-112177549-A-C.
Other names: c.6258A>C, p.Pro2086= (NM_001127510.3, NM_001354895.2, NM_001407450.1); c.6204A>C, p.Pro2068= (NM_001127511.3); c.6312A>C, p.Pro2104= (NM_001354896.2, NM_001407447.1, NM_001407448.1 and 1 more transcripts); c.6288A>C, p.Pro2096= (NM_001354897.2); c.6183A>C, p.Pro2061= (NM_001354898.2); c.6174A>C, p.Pro2058= (NM_001354899.2); c.6135A>C, p.Pro2045= (NM_001354900.2); c.6081A>C, p.Pro2027= (NM_001354901.2, NM_001407453.1); and 11 more.
Identifiers: ClinVar variation 3009703 (VCV003009703.5), dbSNP rs1766174069, ClinGen allele CA446209489.

ClinVar aggregate classification (germline): Benign/Likely benign. Review status: criteria provided, multiple submitters, no conflicts (2 of 4 stars). 3 submissions from 3 submitters: Benign (1); Likely benign (2). Last evaluated 2025-07-14.

Conditions:
Familial adenomatous polyposis 1 (FAP1). Also called: FAMILIAL ADENOMATOUS POLYPOSIS 1, ATTENUATED; POLYPOSIS, ADENOMATOUS INTESTINAL. Identifiers: MedGen C2713442, MONDO:0021056, OMIM 175100. Disease mechanism: loss of function.
Hereditary cancer-predisposing syndrome. Also called: Hereditary Cancer Syndrome; Neoplastic Syndromes, Hereditary; Tumor predisposition; Hereditary neoplastic syndrome. Identifiers: Orphanet 140162, MedGen C0027672, MeSH D009386, MONDO:0015356.

Allele frequency attached by ClinVar (database versions not stated): TOPMed below 0.00001; gnomAD 0.00001.
gnomAD v4.1: 1 of 1,613,850 alleles (0.000062%); highest among the groups gnomAD compares: African/African-American, 0.0013%; no homozygotes.

Submissions (3):

Labcorp Genetics (formerly Invitae), Labcorp
Classification: Likely benign for Familial adenomatous polyposis 1. Last evaluated: 2025-07-14. Review status: criteria provided, single submitter. Criteria: Invitae Variant Classification Sherloc (09022015). Collection method: clinical testing. Allele origin: germline.

Color Diagnostics, LLC DBA Color Health
Classification: Likely benign for Hereditary cancer-predisposing syndrome. Last evaluated: 2025-03-03. Review status: criteria provided, single submitter. Criteria: ACMG Guidelines, 2015. Collection method: clinical testing. Allele origin: germline.

Myriad Genetics, Inc.
Classification: Benign for Familial adenomatous polyposis 1. Last evaluated: 2024-04-04. Review status: criteria provided, single submitter. Criteria: Myriad Autosomal Dominant, Autosomal Recessive and X-Linked Classification Criteria (2023). Collection method: clinical testing. Allele origin: unknown.
Comment: This variant is considered benign. This variant is a silent/synonymous amino acid change and it is not expected to impact splicing.